The following is an entry in ClinVar:

NM_000350.3(ABCA4):c.5909T>A (p.Leu1970His)

Gene: ABCA4 (ATP binding cassette subfamily A member 4; minus strand). Cytogenetic location: 1p22.1.
Variant type: single nucleotide variant.
Coding change: c.5909T>A on transcript NM_000350.3 (MANE Select); coding-DNA position 5909, T replaced by A.
Protein change: p.Leu1970His; replaces leucine 1970 with histidine.
Molecular consequence: missense variant.
Genome position (GRCh38, 1-based): chr1:94,007,730, A>T on the plus strand (T>A on the coding strand, the complement: ABCA4 is on the minus strand). VCF-style: chr1-94007730-A-T. GRCh37 (hg19) VCF-style: chr1-94473286-A-T.
Other names: c.5687T>A, p.Leu1896His (NM_001425324.1); short protein forms L1896H, L1970H.
Identifiers: ClinVar variation 3901451 (VCV003901451.1).

ClinVar aggregate classification (germline): Uncertain significance (1 of 4 stars; one submission).

Submission:

GeneDx
Classification: Uncertain significance. Last evaluated: 2024-12-09. Review status: criteria provided, single submitter. Criteria: GeneDx Variant Classification Process June 2021. Collection method: clinical testing. Allele origin: germline. Affected: yes.
Comment: Not observed at significant frequency in large population cohorts (gnomAD); In silico analysis supports that this missense variant has a deleterious effect on protein structure/function; Has not been previously published as pathogenic or benign to our knowledge